The following is an entry in ClinVar:

NM_003235.5(TG):c.7291C>T (p.Gln2431Ter)

Genes: SLA (Src like adaptor; minus strand), TG (thyroglobulin; plus strand). Cytogenetic location: 8q24.22.
Variant type: single nucleotide variant.
Coding change: c.7291C>T on transcript NM_003235.5 (MANE Select); coding-DNA position 7291, C replaced by T.
Protein change: p.Gln2431Ter; replaces glutamine 2431 with a stop codon.
Molecular consequence: nonsense. On other transcripts: intron variant (4).
Genome position (GRCh38, 1-based): chr8:133,095,095, C>T. VCF-style: chr8-133095095-C-T. GRCh37 (hg19) VCF-style: chr8-134107339-C-T.
Other names: c.-264+7458G>A (NM_001282965.2); c.11+7458G>A (NM_001282964.2, NM_001045557.3); c.-319+7458G>A (NM_001045556.3); short protein forms Q2431*.
Identifiers: ClinVar variation 5007275 (VCV005007275.2).
Genomic context (GRCh38, chr8:133,095,095, plus strand): 5'-CTCTTCCAGGGAGGCTCCGCACTCTCCCCGGCCGCCGTCATCAGCCATGAGAGGGCTCAG[C>T]AGCAGGCAATTGCTTTGGCAAAGGAGGTCAGTTGCCCCATGTCATCCAGCCAAGAAGTGG-3'

ClinVar aggregate classification (germline): Likely pathogenic (1 of 4 stars; one submission).

Conditions:
Autoimmune thyroid disease, susceptibility to, 3. Identifiers: MedGen C1842444, MONDO:0011982, OMIM 608175.
Iodotyrosyl coupling defect (TDH3). Also called: HYPOTHYROIDISM, CONGENITAL, DUE TO DYSHORMONOGENESIS, 3; THYROID HORMONOGENESIS, GENETIC DEFECT IN, 3. Identifiers: Orphanet 95716, MedGen C0342194, MONDO:0010135, OMIM 274700.

gnomAD v4.1: 1 of 1,614,224 alleles (0.000062%); highest among the groups gnomAD compares: Non-Finnish European, 0.000085%; no homozygotes.

Submission:

Juno Genomics, Hangzhou Juno Genomics, Inc
Classification: Likely pathogenic for Autoimmune thyroid disease, susceptibility to, 3; Iodotyrosyl coupling defect. Review status: criteria provided, single submitter. Criteria: ACMG Guidelines, 2015. Collection method: clinical testing. Allele origin: germline.
Comment: Null variant in a gene where loss of function (LOF) is a known mechanism of disease.;Absent from controls (or at extremely low frequency if recessive) in Genome Aggregation Database.